The following is an entry in ClinVar:

ClinVar aggregate classification (germline): Likely pathogenic. Review status: criteria provided, multiple submitters, no conflicts (2 of 4 stars). 3 submissions from 3 submitters: Likely pathogenic (3). Last evaluated 2026-08-19.

Conditions:
Hydrolethalus syndrome 1 (HLS1). Identifiers: Orphanet 2189, MedGen C1856016, MONDO:0009365, OMIM 236680.
Hydrolethalus syndrome. Identifiers: Orphanet 2189, MedGen C2931104, MONDO:0006037.
HYLS1-related disorder. Also called: HYLS1-related condition.

gnomAD v4.1: 8 of 1,614,082 alleles (0.0005%); highest among the groups gnomAD compares: African/African-American, 0.0027%; no homozygotes.

Submissions (3):

PreventionGenetics, part of Exact Sciences
Classification: Likely pathogenic for HYLS1-related condition. Last evaluated: 2026-08-19. Review status: criteria provided, single submitter. Criteria: ACMG Guidelines, 2015. Collection method: clinical testing. Allele origin: germline.
Comment: The HYLS1 c.550C>T variant is predicted to result in premature protein termination (p.Gln184*). To our knowledge, this variant has not been reported in the literature. This variant is reported in 0.0015% of alleles in individuals of European (Non-Finnish) descent in gnomAD. Nonsense variants in HYLS1 are expected to be pathogenic. This variant is interpreted as likely pathogenic.

Natera, Inc.
Classification: Likely pathogenic for Hydrolethalus syndrome. Last evaluated: 2024-10-02. Review status: criteria provided, single submitter. Criteria: Natera Variant Classification Schema (03/2026). Collection method: clinical testing. Allele origin: germline.
Comment: The c.550C>T variant in HYLS1 is a nonsense variant predicted to introduce a stop codon at amino acid 184. This variant is expected to result in nonsense mediated decay, truncation, or a dysfunctional protein product. This variant is rare in the general population with a frequency below the threshold expected for the associated phenotype(s). Given the available evidence, this variant is classified as Likely Pathogenic.

Fulgent Genetics
Classification: Likely pathogenic for Hydrolethalus syndrome 1. Last evaluated: 2024-03-14. Review status: criteria provided, single submitter. Criteria: ACMG Guidelines, 2015. Collection method: clinical testing. Allele origin: germline.

NM_001134793.2(HYLS1):c.550C>T (p.Gln184Ter)

Genes: PUS3 (pseudouridine synthase 3; minus strand), HYLS1 (HYLS1 centriolar and ciliogenesis associated; plus strand). Cytogenetic location: 11q24.2.
Variant type: single nucleotide variant.
Coding change: c.550C>T on transcript NM_001134793.2 (MANE Select); coding-DNA position 550, C replaced by T.
Protein change: p.Gln184Ter; replaces glutamine 184 with a stop codon.
Molecular consequence: nonsense. On other transcripts: intron variant (2).
Genome position (GRCh38, 1-based): chr11:125,899,918, C>T. VCF-style: chr11-125899918-C-T. GRCh37 (hg19) VCF-style: chr11-125769813-C-T.
Other names: c.550C>T (NM_145014.2); c.550C>T, p.Gln184Ter (NM_001377269.1, NM_001377270.1, NM_001424364.1 and 1 more transcripts); c.-247+3252G>A (NM_001271985.2); c.-47+3252G>A (NM_031307.4); short protein forms Q184*.
Identifiers: ClinVar variation 3599140 (VCV003599140.3).